The following is an entry in ClinVar:

NM_000540.3(RYR1):c.11798A>G (p.Tyr3933Cys)

Gene: RYR1 (ryanodine receptor 1; plus strand). Cytogenetic location: 19q13.2.
Variant type: single nucleotide variant.
Coding change: c.11798A>G on transcript NM_000540.3 (MANE Select); coding-DNA position 11798, A replaced by G.
Protein change: p.Tyr3933Cys; replaces tyrosine 3933 with cysteine.
Molecular consequence: missense variant.
Genome position (GRCh38, 1-based): chr19:38,543,551, A>G. VCF-style: chr19-38543551-A-G. GRCh37 (hg19) VCF-style: chr19-39034191-A-G.
Other names: P.(Tyr3933Cys); NM_000540.2(RYR1):c.11798A>G; c.11783A>G, p.Tyr3928Cys (NM_001042723.2); short protein forms Y3928C.
Identifiers: ClinVar variation 133021 (VCV000133021.81), dbSNP rs147136339, ClinGen allele CA023938.

ClinVar aggregate classification (germline): Likely benign. Review status: reviewed by expert panel (3 of 4 stars). 28 submissions from 27 submitters: Likely benign (1). 27 of the submissions do not count toward it. Last evaluated 2022-01-04.

Conditions:
Central core myopathy (CMYO1A). Also called: CONGENITAL MYOPATHY 1A, AUTOSOMAL DOMINANT, WITH SUSCEPTIBILITY TO MALIGNANT HYPERTHERMIA; Central core disease; Myopathy, central fibrillar. Identifiers: Orphanet 597, MedGen C5830701, MONDO:0007294, OMIM 117000.
Congenital multicore myopathy with external ophthalmoplegia (CMYO1B). Also called: Minicore myopathy with external ophthalmoplegia; MULTIMINICORE DISEASE WITH EXTERNAL OPHTHALMOPLEGIA; Congenital myopathy 1B, autosomal recessive; Minicore myopathy; MULTICORE MYOPATHY. Identifiers: Orphanet 598, Orphanet 98905, MedGen C1850674, MONDO:0009712, OMIM 255320, HP:0003789.
King Denborough syndrome (KDS). Identifiers: MedGen C1840365, MONDO:0020485, OMIM 619542.
Malignant hyperthermia, susceptibility to, 1 (MHS1). Also called: Anesthesia related hyperthermia; Malignant hyperpyrexia; Fulminating hyperpyrexia; Pharmacogenic myopathy; RYR1-Related Malignant Hyperthermia Susceptibility; Malignant hyperthermia suceptibility 1. Identifiers: Orphanet 423, MedGen C2930980, MONDO:0007783, OMIM 145600.
RYR1-related myopathy. Identifiers: Orphanet 98742, MedGen CN305348, MONDO:0100150.
RYR1-related disorder. Also called: RYR1-related disorders; RYR1-related condition. Identifiers: MedGen CN239331.
Congenital myopathy with fiber type disproportion. Also called: Congenital fiber-type disproportion myopathy; Congenital fiber-type disproportion. Identifiers: Orphanet 2020, MedGen C0546264, MONDO:0009711. Inheritance: all.
Malignant hyperthermia of anesthesia. Also called: Anesthesic-triggered malignant hyperthermia. Identifiers: Orphanet 423, MedGen C0024591, MONDO:0018493, HP:0034733.

Allele frequency attached by ClinVar (database versions not stated): gnomAD 0.00108 and 0.00110; ExAC 0.00092; TOPMed 0.00102; ESP Exome Variant Server 0.00085; 1000 Genomes Project 30x 0.00156; gnomAD exomes 0.00087; 1000 Genomes Project 0.00200.
gnomAD v4.1: 1,889 of 1,614,082 alleles (0.12%); highest among the groups gnomAD compares: Middle Eastern, 0.17%; 3 homozygotes.

Submissions 1 to 6 of 28:

ClinGen Malignant Hyperthermia Susceptibility Variant Curation Expert Panel, ClinGen
Classification: Likely benign for Malignant hyperthermia of anesthesia. Last evaluated: 2022-01-04. Review status: reviewed by expert panel. Criteria: ClinGen MHS ACMG Specifications V2. Collection method: curation. Allele origin: germline. Inheritance: Autosomal dominant inheritance.
Comment: This pathogenicity assessment is relevant only for malignant hyperthermia susceptibility (MHS) inherited in an autosomal dominant pattern. Variants in RYR1 can also cause other myopathies inherited in an autosomal dominant pattern or in an autosomal recessive pattern. Some of these disorders may predispose individuals to malignant hyperthermia. RYR1 variants may also contribute to a malignant hyperthermia reaction in combination with other genetic and non-genetic factors and the clinician needs to consider such factors in making management decisions. This sequence variant predicts a substitution of tyrosine with cysteine at codon 3933 of the RYR1 protein, p.(Tyr3933Cys). The maximum allele frequency for this variant among the six major gnomAD populations is NFE: 0.001332, this is considered to be more common than expected for a pathogenic variant causing autosomal dominantly inherited MHS, BS1. This variant has been reported in six unrelated individuals who have a personal or family history of a malignant hyperthermia reaction, all of these individuals had a positive in vitro contracture test (IVCT) or caffeine halothane contracture test (CHCT) result (if the proband was unavailable for testing, a positive diagnostic test result in a mutation-positive relative was counted) (PMID: 25958340, 20681998, 23558838, 25658027, 25735680). However, the high MAF in the NFE population in gnomAD precludes the use of PS4. No functional studies were identified for this variant. This variant does not reside in a hotspot for pathogenic variants that contribute to MHS. A REVEL score >0.85 (0.983) supports a pathogenic status for this variant, PP3_Moderate. Based on using Bayes to combine criteria this variant is classified as Likely Benign, (PMID: 29300386). Criteria implemented: PP3_Moderate, BS1.

CeGaT Center for Human Genetics Tuebingen
Classification: Likely benign. Last evaluated: 2026-08-01. Review status: criteria provided, single submitter. Criteria: CeGaT Center For Human Genetics Tuebingen Variant Classification Criteria Version 2. Collection method: clinical testing. Allele origin: germline. Affected: yes. Observed: 13 variant alleles. Not counted in ClinVar's aggregate classification.
Comment: RYR1: PP3, BS1

Labcorp Genetics (formerly Invitae), Labcorp
Classification: Uncertain significance for RYR1-related disorder. Last evaluated: 2026-02-02. Review status: criteria provided, single submitter. Criteria: Invitae Variant Classification Sherloc (09022015). Collection method: clinical testing. Allele origin: germline. Not counted in ClinVar's aggregate classification.
Comment: This sequence change replaces tyrosine, which is neutral and polar, with cysteine, which is neutral and slightly polar, at codon 3933 of the RYR1 protein (p.Tyr3933Cys). This variant is present in population databases (rs147136339, gnomAD 0.1%), and has an allele count higher than expected for a pathogenic variant. Three missense variants, p.Ile1571Val, p.Arg3366His, and p.Tyr3933Cys, which includes this variant (p.Tyr3933Cys), have been reported together in multiple individuals and families affected with RYR1-related disorders including malignant hyperthermia (MH) syndrome, congenital myopathy, central core disease (CCD), and multi minicore disease (MmD). In some cases, the phase of the three variants along with additional RYR1 variants was established, while in other cases it could not be determined. It is therefore unclear if one of the three variants or the additive effect of some or all of these mutations are causative for the RYR1-associated diseases in reported individuals (PMID: 25958340, 25735680, 25214167, 24950660, 25960145, 25658027, 21674524, 18564801, 20681998, 23558838, 30611313). ClinVar contains an entry for this variant (Variation ID: 133021). Invitae Evidence Modeling of protein sequence and biophysical properties (such as structural, functional, and spatial information, amino acid conservation, physicochemical variation, residue mobility, and thermodynamic stability) indicates that this missense variant is expected to disrupt RYR1 protein function with a positive predictive value of 80%. In summary, the available evidence is currently insufficient to determine the role of this variant in disease. Therefore, it has been classified as a Variant of Uncertain Significance.

Women's Health and Genetics/Laboratory Corporation of America, LabCorp
Classification: Uncertain significance. Last evaluated: 2025-12-02. Review status: criteria provided, single submitter. Criteria: LabCorp Variant Classification Summary - May 2015. Collection method: clinical testing. Allele origin: germline. Not counted in ClinVar's aggregate classification.
Comment: Variant summary: RYR1 c.11798A>G (p.Tyr3933Cys) results in a non-conservative amino acid change located in the RyR/IP3R Homology associated domain (IPRIPR013662) of the encoded protein sequence. Algorithms developed to predict the effect of missense changes on protein structure and function all suggest that this variant is likely to be disruptive. The variant allele was found at a frequency of 0.00087 in 251418 control chromosomes. This frequency is not significantly higher than estimated for disease-causing variants in RYR1, allowing no conclusion about variant significance. c.11798A>G has been reported in the literature in cis with c.10097G>A and c.4711A>G in individuals affected with RYR1-Associated Myopathy (malignant hyperthermia (MH), congenital myopathy, central core disease (CCD), and multi minicore disease (MmD) (examples: Duarte_2011, Rocha_2014, Savarese_2014, Fiszer_2015, Snoeck_2015, Gillies_2015, Kraeva_2015, Garibaldi_2019, Granger_2023). It is unclear if one of the three variants or the combined effect of these mutations are causative for the RYR1-associated diseases in reported individuals. The following publications have been ascertained in the context of this evaluation (PMID: 30611313, 21674524, 25658027, 25960145, 24950660, 25214167, 25735680, 25958340, 36628841, 37937776). ClinVar contains an entry for this variant (Variation ID: 133021). Based on the evidence outlined above, the variant was classified as uncertain significance.

GeneDx
Classification: Uncertain significance. Last evaluated: 2025-10-16. Review status: criteria provided, single submitter. Criteria: GeneDx Variant Classification Process June 2021. Collection method: clinical testing. Allele origin: germline. Affected: yes. Not counted in ClinVar's aggregate classification.
Comment: Y3933C and R3366H reported in cis, and in conjunction with an additional RYR1 variant on the opposite allele, have been reported in patients with core myopathies as well as malignant hyperthermia susceptibility in some cases (PMID: 25960145, 23919265, 25958340); Patients with only Y3933C and R3366H variants were reported to have malignant hyperthermia susceptibility or to be unaffected (PMID: 25958340, 25960145); In silico analysis supports that this missense variant has a deleterious effect on protein structure/function; This variant is associated with the following publications: (PMID: 36628841, 30788618, 30611313, 31321302, 32125936, 25637381, 20681998, 24055113, 25747005, 24950660, 23558838, 23919265, 25735680, 22473935, 21674524, 28269792, 28259615, 26332594, 25214167, 18564801, 30155738, 25658027, 30932294, 31517061, 32236737, 32528171, 33646171, 33726816, 35428369, 32403337, 35207755, 34008892, 37643885, 38112957, 25960145, 25958340, 37937776, 36833224, Hiraide2024[casereport], 41009941)

3billion
Classification: Uncertain significance for RYR1-related disorder. Last evaluated: 2025-07-07. Review status: criteria provided, single submitter. Criteria: ACMG Guidelines, 2015. Collection method: clinical testing. Allele origin: germline. Affected: yes. Not counted in ClinVar's aggregate classification.
Comment: The variant is observed at an extremely low frequency in the gnomAD v4.1.0 dataset (total allele frequency: 0.117%). Predicted Consequence/Location: Missense variant In silico tool predictions suggest damaging effect of the variant on gene or gene product [REVEL: 0.98 (>=0.6, sensitivity 0.68 and specificity 0.92)]. The variant has been reported as of uncertain significance (ClinVar ID: VCV000133021; PMID: 18564801; 3billion dataset). Therefore, this variant is classified as VUS according to the recommendation of ACMG/AMP guideline.